The following is an entry in ClinVar:

ClinVar aggregate classification (germline): Uncertain significance (1 of 4 stars; one submission).

Submission:

Laboratory for Molecular Medicine, Mass General Brigham Personalized Medicine
Classification: Uncertain significance. Last evaluated: 2012-12-12. Review status: criteria provided, single submitter. Criteria: LMM Criteria. Collection method: clinical testing. Allele origin: germline. Observed: 2 variant alleles.
Comment: The Ile221Leu variant in the PTPN11 gene has not been reported in the literature nor previously identified by our laboratory. In addition, this variant has not been identified in large and broad populations by NHLBI Exome Sequencing Project. Computational analyses (biochemical amino a cid properties, conservation, AlignGVGD, PolyPhen2, and SIFT) do not provide str ong support for or against an impact to the protein. In summary, additional info rmation is needed to fully assess the clinical significance of the Ile221Leu var iant.

NM_002834.5(PTPN11):c.661A>T (p.Ile221Leu)

Gene: PTPN11 (protein tyrosine phosphatase non-receptor type 11; plus strand). Cytogenetic location: 12q24.13.
Variant type: single nucleotide variant.
Coding change: c.661A>T on transcript NM_002834.5 (MANE Select); coding-DNA position 661, A replaced by T.
Protein change: p.Ile221Leu; replaces isoleucine 221 with leucine.
Molecular consequence: missense variant.
Genome position (GRCh38, 1-based): chr12:112,455,968, A>T. VCF-style: chr12-112455968-A-T. GRCh37 (hg19) VCF-style: chr12-112893772-A-T.
Other names: c.661A>T, p.Ile221Leu (NM_001330437.2, NM_080601.3); c.658A>T, p.Ile220Leu (NM_001374625.1); short protein forms I221L, I220L.
Identifiers: ClinVar variation 44610 (VCV000044610.5), dbSNP rs397516806, ClinGen allele CA134676.